The following is an entry in ClinVar:

NM_058195.4(CDKN2A):c.125C>T (p.Ala42Val)

Gene: CDKN2A (cyclin dependent kinase inhibitor 2A; minus strand). Cytogenetic location: 9p21.3.
Variant type: single nucleotide variant.
Coding change: c.125C>T on transcript NM_058195.4 (MANE Plus Clinical); coding-DNA position 125, C replaced by T.
Protein change: p.Ala42Val; replaces alanine 42 with valine.
Molecular consequence: missense variant. On other transcripts: intron variant (1).
Genome position (GRCh38, 1-based): chr9:21,994,207, G>A on the plus strand (C>T on the coding strand, the complement: CDKN2A is on the minus strand). VCF-style: chr9-21994207-G-A. GRCh37 (hg19) VCF-style: chr9-21994206-G-A.
Other names: c.-4+614C>T (NM_001363763.2); short protein forms A42V.
Identifiers: ClinVar variation 2563898 (VCV002563898.2), dbSNP rs2489327235, ClinGen allele CA373086896.

ClinVar aggregate classification (germline): Uncertain significance (1 of 4 stars; one submission).

Conditions:
Hereditary cancer-predisposing syndrome. Also called: Hereditary Cancer Syndrome; Hereditary neoplastic syndrome; Neoplastic Syndromes, Hereditary; Tumor predisposition. Identifiers: Orphanet 140162, MedGen C0027672, MeSH D009386, MONDO:0015356.

Submission:

Ambry Genetics
Classification: Uncertain significance for Hereditary cancer-predisposing syndrome. Last evaluated: 2023-03-29. Review status: criteria provided, single submitter. Criteria: Ambry Variant Classification Scheme 2023. Collection method: clinical testing. Allele origin: germline.
Comment: The p.A42V variant (also known as c.125C>T), located in coding exon 1 of the CDKN2A gene, results from a C to T substitution at nucleotide position 125. The alanine at codon 42 is replaced by valine, an amino acid with similar properties. This amino acid position is not well conserved in available vertebrate species. In addition, this alteration is predicted to be tolerated by in silico analysis. Since supporting evidence is limited at this time, the clinical significance of this alteration remains unclear.